The following is an entry in ClinVar:

ClinVar aggregate classification (germline): Uncertain significance. Review status: criteria provided, multiple submitters, no conflicts (2 of 4 stars). 2 submissions from 2 submitters: Uncertain significance (2). Last evaluated 2022-07-25.

Conditions:
Fanconi anemia (FA). Also called: Fanconi's anemia. Identifiers: Orphanet 84, MedGen C0015625, MeSH D005199, MONDO:0019391.
Fanconi anemia complementation group A (FANCA). Also called: FANCA-Related Fanconi Anemia; Fanconi anemia, group A. Identifiers: Orphanet 84, MedGen C3469521, MONDO:0009215, OMIM 227650.

gnomAD v4.1: 3 of 1,614,044 alleles (0.00019%); highest among the groups gnomAD compares: Non-Finnish European, 0.00017%; no homozygotes.

Submissions (2):

Labcorp Genetics (formerly Invitae), Labcorp
Classification: Uncertain significance for Fanconi anemia. Last evaluated: 2022-07-25. Review status: criteria provided, single submitter. Criteria: Invitae Variant Classification Sherloc (09022015). Collection method: clinical testing. Allele origin: germline.
Comment: This sequence change replaces serine, which is neutral and polar, with phenylalanine, which is neutral and non-polar, at codon 1212 of the FANCA protein (p.Ser1212Phe). This variant is present in population databases (no rsID available, gnomAD 0.0009%). This variant has not been reported in the literature in individuals affected with FANCA-related conditions. ClinVar contains an entry for this variant (Variation ID: 1441828). Advanced modeling of protein sequence and biophysical properties (such as structural, functional, and spatial information, amino acid conservation, physicochemical variation, residue mobility, and thermodynamic stability) performed at Invitae indicates that this missense variant is not expected to disrupt FANCA protein function. In summary, the available evidence is currently insufficient to determine the role of this variant in disease. Therefore, it has been classified as a Variant of Uncertain Significance.

Fulgent Genetics
Classification: Uncertain significance for Fanconi anemia complementation group A. Last evaluated: 2022-03-10. Review status: criteria provided, single submitter. Criteria: ACMG Guidelines, 2015. Collection method: clinical testing. Allele origin: unknown.

NM_000135.4(FANCA):c.3635C>T (p.Ser1212Phe)

Gene: FANCA (FA complementation group A; minus strand). Cytogenetic location: 16q24.3.
Variant type: single nucleotide variant.
Coding change: c.3635C>T on transcript NM_000135.4 (MANE Select); coding-DNA position 3635, C replaced by T.
Protein change: p.Ser1212Phe; replaces serine 1212 with phenylalanine.
Molecular consequence: missense variant.
Genome position (GRCh38, 1-based): chr16:89,742,930, G>A on the plus strand (C>T on the coding strand, the complement: FANCA is on the minus strand). VCF-style: chr16-89742930-G-A. GRCh37 (hg19) VCF-style: chr16-89809338-G-A.
Other names: c.3635C>T, p.Ser1212Phe (NM_001286167.3); short protein forms S1212F.
Identifiers: ClinVar variation 1441828 (VCV001441828.6), dbSNP rs1203053045, ClinGen allele CA397485537.
Genomic context (GRCh38, chr16:89,742,930, plus strand): 5'-AAGTGCAGTGCAGCAGCTGAGAGCCAGTCCGGGTTGGGTGCTGGGGAGGCAGCCTCAGGG[G>A]AGAGGAAACTGGGACAGAGAGAACGGGGTCATTGCAGGGCCTTACAACCATACAACCACG-3'
Protein context (NP_000126.2, residues 1202-1222): EGRQFASDFL[Ser1212Phe]PEAASPAPNP